The following is an entry in ClinVar:

NM_000466.3(PEX1):c.3687dup (p.Ser1230Ter)

Genes: PEX1 (peroxisomal biogenesis factor 1; minus strand), GATAD1 (GATA zinc finger domain containing 1; plus strand). Cytogenetic location: 7q21.2.
Variant type: Duplication.
Coding change: c.3687dup on transcript NM_000466.3 (MANE Select); coding-DNA position 3687, one base duplicated (T; older notation c.3687dupT).
Protein change: p.Ser1230Ter; replaces serine 1230 with a stop codon.
Molecular consequence: nonsense.
Genome position (GRCh38, 1-based): chr7:92,489,373, A duplicated on the plus strand (T on the coding strand, the reverse complement: PEX1 is on the minus strand); the first of 2 consecutive A bases (chr7:92,489,373-92,489,374); duplicating either gives the same sequence. VCF-style (leftmost placement, unchanged base first): chr7-92489372-T-TA. GRCh37 (hg19) VCF-style: chr7-92118686-T-TA.
Other names: c.3516dup, p.Ser1173Ter (NM_001282677.2); c.3063dup, p.Ser1022Ter (NM_001282678.2); short protein forms S1022*, S1173*, S1230*.
Identifiers: ClinVar variation 4818408 (VCV004818408.1).

ClinVar aggregate classification (germline): Likely pathogenic (1 of 4 stars; one submission).

Conditions:
Zellweger spectrum disorders (ZS). Also called: Zellweger Spectrum Disorder (ZSD); Zellweger syndrome; Zellweger Spectrum Disorder; Zellweger Spectrum. Identifiers: Orphanet 912, MedGen C0043459, MONDO:0019609.

Submission:

Natera, Inc.
Classification: Likely pathogenic for Zellweger syndrome. Last evaluated: 2024-11-12. Review status: criteria provided, single submitter. Criteria: Natera Variant Classification Schema (03/2026). Collection method: clinical testing. Allele origin: germline.
Comment: The c.3687dupT variant in PEX1 is a frameshift variant predicted to shift the reading frame and introduce a stop codon. This variant is expected to result in nonsense mediated decay, truncation, or a dysfunctional protein product. This variant is rare in the general population with a frequency below the threshold expected for the associated phenotype(s). Given the available evidence, this variant is classified as Likely Pathogenic.